The following is an entry in ClinVar:

ClinVar aggregate classification (germline): Likely benign (1 of 4 stars; one submission).

Allele frequency attached by ClinVar (database versions not stated): TOPMed 0.00006; ESP Exome Variant Server 0.00008; gnomAD 0.00013; gnomAD exomes 0.00025; ExAC 0.00037; 1000 Genomes Project 0.00060; 1000 Genomes Project 30x 0.00094.
gnomAD v4.1: 395 of 1,613,748 alleles (0.024%); highest among the groups gnomAD compares: South Asian, 0.23%; 4 homozygotes.

Submission:

CeGaT Center for Human Genetics Tuebingen
Classification: Likely benign. Last evaluated: 2022-11-01. Review status: criteria provided, single submitter. Criteria: CeGaT Center For Human Genetics Tuebingen Variant Classification Criteria Version 2. Collection method: clinical testing. Allele origin: germline. Affected: yes. Observed: 1 variant allele.
Comment: DNAH10: BP4, BP7

NM_001372106.1(DNAH10):c.13281C>T (p.Ser4427=)

Genes: DNAH10 (dynein axonemal heavy chain 10; plus strand), DNAH10OS (dynein axonemal heavy chain 10 opposite strand; minus strand). Cytogenetic location: 12q24.31.
Variant type: single nucleotide variant.
Coding change: c.13281C>T on transcript NM_001372106.1 (MANE Select); coding-DNA position 13281, C replaced by T.
Protein change: p.Ser4427=; no amino-acid change (serine 4427 retained).
Molecular consequence: synonymous variant.
Genome position (GRCh38, 1-based): chr12:123,932,093, C>T. VCF-style: chr12-123932093-C-T. GRCh37 (hg19) VCF-style: chr12-124416640-C-T.
Other names: c.12927C>T, p.Ser4309= (NM_001083900.1, NM_207437.3).
Identifiers: ClinVar variation 2643543 (VCV002643543.24), dbSNP rs149280453, ClinGen allele CA6866179.
Genomic context (GRCh38, chr12:123,932,093, plus strand): 5'-TGCTCCTGACACCTTAAAGTCCCTTGGAAACTGGATGGTCTACTTCCTGCGGCGGTTCAG[C>T]CAGTACATGTTGTGGGTAAGTGGCACGTCACCGCCTCCTCTCTGCCGATTCAGGTGTCAG-3'
Protein context (NP_001359035.1, residues 4417-4437): NWMVYFLRRF[Ser4427=]QYMLWVTESE